The following is an entry in ClinVar:

ClinVar aggregate classification (germline): Pathogenic. Review status: reviewed by expert panel (3 of 4 stars). 5 submissions from 5 submitters: Pathogenic (1). 4 of the submissions do not count toward it. Last evaluated 2016-09-08.

Conditions:
Hereditary breast ovarian cancer syndrome. Also called: Hereditary breast and ovarian cancer syndrome; Hereditary breast and ovarian cancer; Hereditary breast and ovarian cancer syndrome (HBOC); Breast and ovarian cancer; Hereditary breast and/or ovarian cancer syndrome; BRCA1- and BRCA2-Associated Hereditary Breast and Ovarian Cancer. Identifiers: Orphanet 145, MedGen C0677776, MeSH D061325, MONDO:0003582. Disease mechanism: loss of function.
Familial cancer of breast. Also called: BREAST CANCER, FAMILIAL; Hereditary breast cancer; hereditary breast carcinoma. Identifiers: Orphanet 227535, MedGen C0346153, MONDO:0016419, OMIM 114480. Disease mechanism: loss of function.
Hereditary cancer-predisposing syndrome. Also called: Neoplastic Syndromes, Hereditary; Tumor predisposition; Hereditary Cancer Syndrome; Hereditary neoplastic syndrome. Identifiers: Orphanet 140162, MedGen C0027672, MeSH D009386, MONDO:0015356.
Breast-ovarian cancer, familial, susceptibility to, 2 (BROVCA2). Also called: BRCA2 Hereditary Breast and Ovarian Cancer. Identifiers: Orphanet 145, MedGen C2675520, MONDO:0012933, OMIM 612555. Disease mechanism: loss of function.

Submissions (5):

Evidence-based Network for the Interpretation of Germline Mutant Alleles (ENIGMA)
Classification: Pathogenic for Breast-ovarian cancer, familial, susceptibility to, 2. Last evaluated: 2016-09-08. Review status: reviewed by expert panel. Criteria: ENIGMA BRCA1/2 Classification Criteria (2015). Collection method: curation. Allele origin: germline.
Comment: Variant allele predicted to encode a truncated non-functional protein.

Baylor Genetics
Classification: Likely pathogenic for Familial cancer of breast. Last evaluated: 2023-12-30. Review status: criteria provided, single submitter. Criteria: ACMG Guidelines, 2015. Collection method: clinical testing. Allele origin: unknown. Not counted in ClinVar's aggregate classification.

Labcorp Genetics (formerly Invitae), Labcorp
Classification: Pathogenic for Hereditary breast ovarian cancer syndrome. Last evaluated: 2023-07-27. Review status: criteria provided, single submitter. Criteria: Invitae Variant Classification Sherloc (09022015). Collection method: clinical testing. Allele origin: germline. Not counted in ClinVar's aggregate classification.
Comment: For these reasons, this variant has been classified as Pathogenic. ClinVar contains an entry for this variant (Variation ID: 51174). This premature translational stop signal has been observed in individual(s) with BRCA2-related conditions (PMID: 10923033, 21520333). This variant is not present in population databases (gnomAD no frequency). This sequence change creates a premature translational stop signal (p.Gly561*) in the BRCA2 gene. It is expected to result in an absent or disrupted protein product. Loss-of-function variants in BRCA2 are known to be pathogenic (PMID: 20104584).

Ambry Genetics
Classification: Pathogenic for Hereditary cancer-predisposing syndrome. Last evaluated: 2019-12-03. Review status: criteria provided, single submitter. Criteria: Ambry Variant Classification Scheme 2023. Collection method: clinical testing. Allele origin: germline. Not counted in ClinVar's aggregate classification.
Comment: The p.G561* pathogenic mutation (also known as c.1681G>T), located in coding exon 9 of the BRCA2 gene, results from a G to T substitution at nucleotide position 1681. This changes the amino acid from a glycine to a stop codon within coding exon 9. This alteration is expected to result in loss of function by premature protein truncation or nonsense-mediated mRNA decay. As such, this alteration is interpreted as a disease-causing mutation.

Breast Cancer Information Core (BIC) (BRCA2)
Classification: Pathogenic for Breast-ovarian cancer, familial 2. Last evaluated: 2003-12-23. Review status: no assertion criteria provided. Collection method: clinical testing. Allele origin: germline. Affected: yes. Observed: 1 variant allele. Not counted in ClinVar's aggregate classification.

Literature cited by the submitters: PubMed 10923033 (cited by Labcorp Genetics (formerly Invitae), Labcorp); PubMed 21520333 (cited by Labcorp Genetics (formerly Invitae), Labcorp); PubMed 20104584 (cited by Labcorp Genetics (formerly Invitae), Labcorp).

NM_000059.4(BRCA2):c.1681G>T (p.Gly561Ter)

Gene: BRCA2 (BRCA2 DNA repair associated; plus strand). Cytogenetic location: 13q13.1.
Variant type: single nucleotide variant.
Coding change: c.1681G>T on transcript NM_000059.4 (MANE Select); coding-DNA position 1681, G replaced by T.
Protein change: p.Gly561Ter; replaces glycine 561 with a stop codon.
Molecular consequence: nonsense.
Genome position (GRCh38, 1-based): chr13:32,333,159, G>T. VCF-style: chr13-32333159-G-T. GRCh37 (hg19) VCF-style: chr13-32907296-G-T.
Other names: short protein forms G561*.
Identifiers: ClinVar variation 51174 (VCV000051174.16), dbSNP rs80358455, ClinGen allele CA012901.
Genomic context (GRCh38, chr13:32,333,159, plus strand): 5'-GAAATACATACTGTTTGCTCACAGAAGGAGGACTCCTTATGTCCAAATTTAATTGATAAT[G>T]GAAGCTGGCCAGCCACCACCACACAGAATTCTGTAGCTTTGAAGAATGCAGGTTTAATAT-3'